The following is an entry in ClinVar:

ClinVar aggregate classification (germline): Uncertain significance (1 of 4 stars; one submission).

Conditions:
Cardiovascular phenotype. Identifiers: MedGen CN230736.

Allele frequency attached by ClinVar (database versions not stated): ExAC 0.00001; TOPMed 0.00002; ESP Exome Variant Server 0.00008.
gnomAD v4.1: 6 of 1,603,618 alleles (0.00037%); highest among the groups gnomAD compares: African/African-American, 0.0027%; no homozygotes.

Submission:

Ambry Genetics
Classification: Uncertain significance for Cardiovascular phenotype. Last evaluated: 2022-06-19. Review status: criteria provided, single submitter. Criteria: Ambry Variant Classification Scheme 2023. Collection method: clinical testing. Allele origin: germline.
Comment: The p.R949Q variant (also known as c.2846G>A), located in coding exon 17 of the EPHB4 gene, results from a G to A substitution at nucleotide position 2846. The arginine at codon 949 is replaced by glutamine, an amino acid with highly similar properties. This amino acid position is conserved. In addition, this alteration is predicted to be tolerated by in silico analysis. Since supporting evidence is limited at this time, the clinical significance of this alteration remains unclear.

NM_004444.5(EPHB4):c.2846G>A (p.Arg949Gln)

Gene: EPHB4 (EPH receptor B4; minus strand). Cytogenetic location: 7q22.1.
Variant type: single nucleotide variant.
Coding change: c.2846G>A on transcript NM_004444.5 (MANE Select); coding-DNA position 2846, G replaced by A.
Protein change: p.Arg949Gln; replaces arginine 949 with glutamine.
Molecular consequence: missense variant.
Genome position (GRCh38, 1-based): chr7:100,803,579, C>T on the plus strand (G>A on the coding strand, the complement: EPHB4 is on the minus strand). VCF-style: chr7-100803579-C-T. GRCh37 (hg19) VCF-style: chr7-100401201-C-T.
Other names: short protein forms R949Q.
Identifiers: ClinVar variation 1796773 (VCV001796773.2), dbSNP rs373446670, ClinGen allele CA4392487.
Genomic context (GRCh38, chr7:100,803,579, plus strand): 5'-TTCATGTGCTGGACACTGGCCAAGATTTTCTTCTGGTGTCCCGCCAGAGTGACTCCGATT[C>T]GGAGCAGGTCCCTGCAGAAGGAAAGGAGAGCTTGGTGAGACCCTAGGTTCCCTGTGGCCG-3'
Protein context (NP_004435.3, residues 939-959): VSQISAEDLL[Arg949Gln]IGVTLAGHQK